The following is an entry in ClinVar:

ClinVar aggregate classification (germline): Uncertain significance. Review status: criteria provided, multiple submitters, no conflicts (2 of 4 stars). 3 submissions from 3 submitters: Uncertain significance (3). Last evaluated 2025-05-05.

Conditions:
Cardiovascular phenotype. Identifiers: MedGen CN230736.
Cardiac arrhythmia, ankyrin-B-related. Also called: ANKYRIN-B SYNDROME. Identifiers: Orphanet 101016, Orphanet 768, MedGen C1970119, MONDO:0010958, OMIM 600919.
Long QT syndrome (LQTS). Identifiers: MedGen C0023976, MeSH D008133, MONDO:0002442. Disease mechanism: loss of function. Inheritance: Various modes of inheritance.

Allele frequency attached by ClinVar (database versions not stated): gnomAD exomes 0.00001.
gnomAD v4.1: 3 of 1,612,022 alleles (0.00019%); highest among the groups gnomAD compares: Non-Finnish European, 0.00025%; no homozygotes.

Submissions (3):

Ambry Genetics
Classification: Uncertain significance for Cardiovascular phenotype. Last evaluated: 2025-05-05. Review status: criteria provided, single submitter. Criteria: Ambry Variant Classification Scheme 2023. Collection method: clinical testing. Allele origin: germline.

Labcorp Genetics (formerly Invitae), Labcorp
Classification: Uncertain significance for Long QT syndrome. Last evaluated: 2021-10-23. Review status: criteria provided, single submitter. Criteria: Invitae Variant Classification Sherloc (09022015). Collection method: clinical testing. Allele origin: germline.
Comment: In summary, the available evidence is currently insufficient to determine the role of this variant in disease. Therefore, it has been classified as a Variant of Uncertain Significance. Algorithms developed to predict the effect of sequence changes on RNA splicing suggest that this variant may create or strengthen a splice site. Algorithms developed to predict the effect of missense changes on protein structure and function are either unavailable or do not agree on the potential impact of this missense change (SIFT: "Deleterious"; PolyPhen-2: "Probably Damaging"; Align-GVGD: "Class C0"). This variant has not been reported in the literature in individuals affected with ANK2-related conditions. This variant is not present in population databases (ExAC no frequency). This sequence change replaces threonine with serine at codon 3585 of the ANK2 protein (p.Thr3585Ser). The threonine residue is highly conserved and there is a small physicochemical difference between threonine and serine.

Fulgent Genetics
Classification: Uncertain significance for Cardiac arrhythmia, ankyrin-B-related. Last evaluated: 2021-08-30. Review status: criteria provided, single submitter. Criteria: ACMG Guidelines, 2015. Collection method: clinical testing. Allele origin: unknown.

NM_001148.6(ANK2):c.10753A>T (p.Thr3585Ser)

Gene: ANK2 (ankyrin 2; plus strand). Cytogenetic location: 4q26.
Variant type: single nucleotide variant.
Coding change: c.10753A>T on transcript NM_001148.6 (MANE Select); coding-DNA position 10753, A replaced by T.
Protein change: p.Thr3585Ser; replaces threonine 3585 with serine.
Molecular consequence: missense variant.
Genome position (GRCh38, 1-based): chr4:113,360,894, A>T. VCF-style: chr4-113360894-A-T. GRCh37 (hg19) VCF-style: chr4-114282050-A-T.
Other names: c.4471A>T, p.Thr1491Ser (NM_001127493.3); c.4510A>T, p.Thr1504Ser (NM_001354225.2); c.4399A>T, p.Thr1467Ser (NM_001354228.2, NM_001354258.2); c.4477A>T, p.Thr1493Ser (NM_001354230.2); c.4540A>T, p.Thr1514Ser (NM_001354231.2, NM_001354242.2); c.4534A>T, p.Thr1512Ser (NM_001354232.2); c.4495A>T, p.Thr1499Ser (NM_001354235.2, NM_001354246.2, NM_001354265.2); c.4396A>T, p.Thr1466Ser (NM_001354236.2); and 36 more; short protein forms T1405S, T1422S, T1427S, T1446S, T1466S, T1483S, T1490S, T1504S.
Identifiers: ClinVar variation 1046142 (VCV001046142.7), dbSNP rs955760988, ClinGen allele CA103818941.